The following is an entry in ClinVar:

ClinVar aggregate classification (germline): Benign/Likely benign. Review status: criteria provided, multiple submitters, no conflicts (2 of 4 stars). 8 submissions from 8 submitters: Benign (1); Likely benign (7). Last evaluated 2026-01-11.

Conditions:
Polymerase proofreading-related adenomatous polyposis. Also called: Polymerase proofreading associated polyposis; Polymerase proofreading–associated polyposis (PPAP). Identifiers: Orphanet 447877, MedGen C5202613, MONDO:0018653.
Familial colorectal cancer type X. Identifiers: Orphanet 440437, MedGen C3896578, MONDO:0018604.
Hereditary cancer-predisposing syndrome. Also called: Neoplastic Syndromes, Hereditary; Tumor predisposition; Hereditary Cancer Syndrome; Hereditary neoplastic syndrome. Identifiers: Orphanet 140162, MedGen C0027672, MeSH D009386, MONDO:0015356.

Allele frequency attached by ClinVar (database versions not stated): gnomAD exomes below 0.00001 and 0.00001; ExAC 0.00001; gnomAD 0.00001; TOPMed 0.00002.
gnomAD v4.1: 4 of 1,614,076 alleles (0.00025%); highest among the groups gnomAD compares: East Asian, 0.0067%; no homozygotes.

Submissions (8):

Labcorp Genetics (formerly Invitae), Labcorp
Classification: Likely benign. Last evaluated: 2026-01-11. Review status: criteria provided, single submitter. Criteria: Invitae Variant Classification Sherloc (09022015). Collection method: clinical testing. Allele origin: germline.

Institute for Biomarker Research, Medical Diagnostic Laboratories, L.L.C.
Classification: Likely benign for Hereditary cancer-predisposing syndrome. Last evaluated: 2025-01-30. Review status: criteria provided, single submitter. Criteria: ACMG Guidelines, 2015. Collection method: clinical testing. Allele origin: germline.
Comment: The synonymous variant NM_006231.4(POLE):c.84A>T (p.Ser28=) has been reported to ClinVar as Benign/Likely benign with a status of (2 stars) criteria provided, multiple submitters, no conflicts (Variation ID 413516 as of 2025-01-02). The p.Ser28= variant is predicted to introduce a novel splice site by 1 of 4 splice site algorithms. The p.Ser28= variant results in a substitution of a base that is not predicted conserved by GERP++ and PhyloP. For these reasons, this variant has been classified as Likely Benign

Department of Pathology and Laboratory Medicine, Sinai Health System
Classification: Likely benign for Polymerase proofreading-related adenomatous polyposis; Familial colorectal cancer type X. Last evaluated: 2024-07-02. Review status: criteria provided, single submitter. Criteria: ACMG Guidelines, 2015. Collection method: clinical testing. Allele origin: germline. Affected: yes.

Women's Health and Genetics/Laboratory Corporation of America, LabCorp
Classification: Likely benign. Last evaluated: 2022-04-11. Review status: criteria provided, single submitter. Criteria: LabCorp Variant Classification Summary - May 2015. Collection method: clinical testing. Allele origin: germline.

Sema4
Classification: Likely benign for Hereditary cancer-predisposing syndrome. Last evaluated: 2021-03-01. Review status: criteria provided, single submitter. Criteria: Sema4 Curation Guidelines. Collection method: curation. Allele origin: germline.

Quest Diagnostics Nichols Institute San Juan Capistrano
Classification: Benign. Last evaluated: 2018-07-12. Review status: criteria provided, single submitter. Criteria: Quest Diagnostics criteria. Collection method: clinical testing. Allele origin: germline.

GeneDx
Classification: Likely benign. Last evaluated: 2018-06-07. Review status: criteria provided, single submitter. Criteria: GeneDx Variant Classification (06012015). Collection method: clinical testing. Allele origin: germline. Affected: yes.
Comment: This variant is considered likely benign or benign based on one or more of the following criteria: it is a conservative change, it occurs at a poorly conserved position in the protein, it is predicted to be benign by multiple in silico algorithms, and/or has population frequency not consistent with disease.

Ambry Genetics
Classification: Likely benign for Hereditary cancer-predisposing syndrome. Last evaluated: 2015-06-22. Review status: criteria provided, single submitter. Criteria: Ambry Variant Classification Scheme 2023. Collection method: clinical testing. Allele origin: germline.

NM_006231.4(POLE):c.84A>T (p.Ser28=)

Gene: POLE (DNA polymerase epsilon, catalytic subunit; minus strand). Cytogenetic location: 12q24.33.
Variant type: single nucleotide variant.
Coding change: c.84A>T on transcript NM_006231.4 (MANE Select); coding-DNA position 84, A replaced by T.
Protein change: p.Ser28=; no amino-acid change (serine 28 retained).
Molecular consequence: synonymous variant.
Genome position (GRCh38, 1-based): chr12:132,681,258, T>A on the plus strand (A>T on the coding strand, the complement: POLE is on the minus strand). VCF-style: chr12-132681258-T-A. GRCh37 (hg19) VCF-style: chr12-133257844-T-A.
Identifiers: ClinVar variation 413516 (VCV000413516.22), dbSNP rs774280853, ClinGen allele CA6894450.
Genomic context (GRCh38, chr12:132,681,258, plus strand): 5'-AAACCGCAAATCCATCTTATCCGTCCACTGACTCCGTTCCAGGCGCTTGAGTGCCGAAAC[T>A]GAGGAAGTGGCGCCATCATCCCTGAGTGAAAGAAGGGAACCCCGTGCTTAATTTGTAATG-3'
Protein context (NP_006222.2, residues 18-38): EASRDDGATS[Ser28=]VSALKRLERS